The following is an entry in ClinVar:

NM_006129.5(BMP1):c.787A>G (p.Thr263Ala)

Gene: BMP1 (bone morphogenetic protein 1; plus strand). Cytogenetic location: 8p21.3.
Variant type: single nucleotide variant.
Coding change: c.787A>G on transcript NM_006129.5 (MANE Select); coding-DNA position 787, A replaced by G.
Protein change: p.Thr263Ala; replaces threonine 263 with alanine.
Molecular consequence: missense variant. On other transcripts: non-coding transcript variant (2).
Genome position (GRCh38, 1-based): chr8:22,177,908, A>G. VCF-style: chr8-22177908-A-G. GRCh37 (hg19) VCF-style: chr8-22035421-A-G.
Other names: c.787A>G, p.Thr263Ala (NM_001199.4); short protein forms T263A.
Identifiers: ClinVar variation 1442060 (VCV001442060.3), dbSNP rs904296919, ClinGen allele CA173492433.
Genomic context (GRCh38, chr8:22,177,908, plus strand): 5'-GCAGGGCAGGAGTATAACTTCCTGAAGATGGAGCCTCAGGAGGTGGAGTCCCTGGGGGAG[A>G]CCTATGACTTCGACAGCATCATGCATTACGCTCGGAACACATTCTCCAGGTGGGAGACGG-3'
Protein context (NP_006120.1, residues 253-273): EPQEVESLGE[Thr263Ala]YDFDSIMHYA

ClinVar aggregate classification (germline): Uncertain significance (1 of 4 stars; one submission).

Allele frequency attached by ClinVar (database versions not stated): gnomAD exomes 0.00001; gnomAD 0.00005 and 0.00006; TOPMed 0.00006.
gnomAD v4.1: 18 of 1,613,124 alleles (0.0011%); highest among the groups gnomAD compares: African/African-American, 0.017%; no homozygotes.

Submission:

Labcorp Genetics (formerly Invitae), Labcorp
Classification: Uncertain significance. Last evaluated: 2021-10-12. Review status: criteria provided, single submitter. Criteria: Invitae Variant Classification Sherloc (09022015). Collection method: clinical testing. Allele origin: germline.
Comment: This sequence change replaces threonine with alanine at codon 263 of the BMP1 protein (p.Thr263Ala). The threonine residue is highly conserved and there is a small physicochemical difference between threonine and alanine. This variant is not present in population databases (ExAC no frequency). This variant has not been reported in the literature in individuals affected with BMP1-related conditions. Algorithms developed to predict the effect of missense changes on protein structure and function are either unavailable or do not agree on the potential impact of this missense change (SIFT: "Deleterious"; PolyPhen-2: "Benign"; Align-GVGD: "Class C55"). In summary, the available evidence is currently insufficient to determine the role of this variant in disease. Therefore, it has been classified as a Variant of Uncertain Significance.